The following is an entry in ClinVar:

NM_007186.6(CEP250):c.2575C>T (p.Arg859Trp)

Genes: CEP250 (centrosomal protein 250; plus strand), CEP250-AS1 (CEP250 antisense RNA 1; minus strand). Cytogenetic location: 20q11.22.
Variant type: single nucleotide variant.
Coding change: c.2575C>T on transcript NM_007186.6 (MANE Select); coding-DNA position 2575, C replaced by T.
Protein change: p.Arg859Trp; replaces arginine 859 with tryptophan.
Molecular consequence: missense variant.
Genome position (GRCh38, 1-based): chr20:35,480,134, C>T. VCF-style: chr20-35480134-C-T. GRCh37 (hg19) VCF-style: chr20-34067959-C-T.
Other names: c.679C>T, p.Arg227Trp (NM_001318219.1); c.2575C>T (NM_007186.3); short protein forms R227W, R859W.
Identifiers: ClinVar variation 839895 (VCV000839895.13), dbSNP rs557810123, ClinGen allele CA9833211.
Genomic context (GRCh38, chr20:35,480,134, plus strand): 5'-GAAGGGAAGACTGCCTTGGAGCAGCAGAAGGCAGCCCATGAGAAAGAGGTGAACCAGCTC[C>T]GGGAGAAATGGGTAAGTGGTCAATGTGGCCGGGTATGGCCTCCCTTCCATGAGTGCTCTA-3'
Protein context (NP_009117.2, residues 849-869): AAHEKEVNQL[Arg859Trp]EKWEKERSWH

ClinVar aggregate classification (germline): Conflicting classifications of pathogenicity. Review status: criteria provided, conflicting classifications (1 of 4 stars). 3 submissions from 3 submitters: Uncertain significance (2); Likely benign (1). Last evaluated 2025-12-02.

Allele frequency attached by ClinVar (database versions not stated): TOPMed 0.00002; gnomAD 0.00003 and 0.00001; gnomAD exomes 0.00004 and 0.00005; ExAC 0.00006; 1000 Genomes Project 30x 0.00016; 1000 Genomes Project 0.00020.
gnomAD v4.1: 60 of 1,611,628 alleles (0.0037%); highest among the groups gnomAD compares: South Asian, 0.047%; no homozygotes.

Submissions (3):

Ambry Genetics
Classification: Uncertain significance. Last evaluated: 2025-12-02. Review status: criteria provided, single submitter. Criteria: Ambry Variant Classification Scheme 2023. Collection method: clinical testing. Allele origin: germline.

Blueprint Genetics
Classification: Likely benign. Last evaluated: 2024-01-24. Review status: criteria provided, single submitter. Criteria: ACMG Guidelines, 2015. Collection method: clinical testing. Allele origin: germline.

Labcorp Genetics (formerly Invitae), Labcorp
Classification: Uncertain significance. Last evaluated: 2022-09-01. Review status: criteria provided, single submitter. Criteria: Invitae Variant Classification Sherloc (09022015). Collection method: clinical testing. Allele origin: germline.
Comment: This sequence change replaces arginine, which is basic and polar, with tryptophan, which is neutral and slightly polar, at codon 859 of the CEP250 protein (p.Arg859Trp). This variant is present in population databases (rs557810123, gnomAD 0.03%). This variant has not been reported in the literature in individuals affected with CEP250-related conditions. ClinVar contains an entry for this variant (Variation ID: 839895). Algorithms developed to predict the effect of missense changes on protein structure and function are either unavailable or do not agree on the potential impact of this missense change (SIFT: "Not Available"; PolyPhen-2: "Possibly Damaging"; Align-GVGD: "Not Available"). In summary, the available evidence is currently insufficient to determine the role of this variant in disease. Therefore, it has been classified as a Variant of Uncertain Significance.